The following is an entry in ClinVar:

NM_001171.6(ABCC6):c.1248C>T (p.Asp416=)

Gene: ABCC6 (ATP binding cassette subfamily C member 6; minus strand). Cytogenetic location: 16p13.11.
Variant type: single nucleotide variant.
Coding change: c.1248C>T on transcript NM_001171.6 (MANE Select); coding-DNA position 1248, C replaced by T.
Protein change: p.Asp416=; no amino-acid change (aspartic acid 416 retained).
Molecular consequence: synonymous variant. On other transcripts: non-coding transcript variant (1).
Genome position (GRCh38, 1-based): chr16:16,198,111, G>A on the plus strand (C>T on the coding strand, the complement: ABCC6 is on the minus strand). VCF-style: chr16-16198111-G-A. GRCh37 (hg19) VCF-style: chr16-16291968-G-A.
Other names: p.Asp416=; c.906C>T, p.Asp302= (NM_001351800.1).
Identifiers: ClinVar variation 379216 (VCV000379216.57), dbSNP rs143487365, ClinGen allele CA7926394.
Genomic context (GRCh38, chr16:16,198,111, plus strand): 5'-CCAGACGAGAGGCAGCCACAGCCCGTTGAGGTAGAGGACGCTCTCGGTCAGCCGCTGCAC[G>A]TCCACGGACACCAGATTGACCACATCACCCACCGCACTGGCCTTTCTGGAGCCGCTGGAC-3'
Protein context (NP_001162.5, residues 406-426): VGDVVNLVSV[Asp416=]VQRLTESVLY

ClinVar aggregate classification (germline): Benign/Likely benign. Review status: criteria provided, multiple submitters, no conflicts (2 of 4 stars). 11 submissions from 9 submitters: Benign (4); Likely benign (5). 2 of the submissions do not count toward it. Last evaluated 2026-05-01.

Conditions:
Arterial calcification, generalized, of infancy, 2. Identifiers: Orphanet 51608, MedGen C3276161, MONDO:0013768, OMIM 614473.
Autosomal recessive inherited pseudoxanthoma elasticum (PXE). Identifiers: Orphanet 758, MedGen CN032334, MONDO:0009925, OMIM 264800.
Pseudoxanthoma elasticum, forme fruste. Also called: PSEUDOXANTHOMA ELASTICUM, HETEROZYGOUS; Pseudoxanthoma Elasticum, Incomplete. Identifiers: Orphanet 758, MedGen C1867450, MONDO:0008333, OMIM 177850.

Allele frequency attached by ClinVar (database versions not stated): 1000 Genomes Project 30x 0.00031; gnomAD exomes 0.00224 and 0.00417; TOPMed 0.00230; gnomAD 0.00236 and 0.00247; ExAC 0.00237; ESP Exome Variant Server 0.00269.
gnomAD v4.1: 6,412 of 1,613,070 alleles (0.4%); highest among the groups gnomAD compares: Non-Finnish European, 0.5%; 18 homozygotes.

Submissions (11):

CeGaT Center for Human Genetics Tuebingen
Classification: Likely benign. Last evaluated: 2026-05-01. Review status: criteria provided, single submitter. Criteria: CeGaT Center For Human Genetics Tuebingen Variant Classification Criteria Version 2. Collection method: clinical testing. Allele origin: germline. Affected: yes. Observed: 10 variant alleles.
Comment: ABCC6: BP4, BP7, BS2

Labcorp Genetics (formerly Invitae), Labcorp
Classification: Benign. Last evaluated: 2026-02-02. Review status: criteria provided, single submitter. Criteria: Invitae Variant Classification Sherloc (09022015). Collection method: clinical testing. Allele origin: germline.

Mayo Clinic Laboratories, Mayo Clinic
Classification: Likely benign. Last evaluated: 2025-02-11. Review status: criteria provided, single submitter. Criteria: ACMG Guidelines, 2015. Collection method: clinical testing. Allele origin: germline. Observed: 1 variant allele.
Comment: BS1, BP4, BP7

Blueprint Genetics
Classification: Likely benign. Last evaluated: 2024-11-26. Review status: criteria provided, single submitter. Criteria: ACMG Guidelines, 2015. Collection method: clinical testing. Allele origin: germline.

Genome-Nilou Lab
Classification: Benign for Arterial calcification, generalized, of infancy, 2. Last evaluated: 2021-12-05. Review status: criteria provided, single submitter. Criteria: ACMG Guidelines, 2015. Collection method: clinical testing. Allele origin: germline. Affected: no.

Genome-Nilou Lab
Classification: Benign for Autosomal recessive inherited pseudoxanthoma elasticum. Last evaluated: 2021-12-05. Review status: criteria provided, single submitter. Criteria: ACMG Guidelines, 2015. Collection method: clinical testing. Allele origin: germline. Affected: no.

Genome-Nilou Lab
Classification: Benign for Pseudoxanthoma elasticum, forme fruste. Last evaluated: 2021-12-05. Review status: criteria provided, single submitter. Criteria: ACMG Guidelines, 2015. Collection method: clinical testing. Allele origin: germline. Affected: no.

Fulgent Genetics
Classification: Likely benign for Pseudoxanthoma elasticum, forme fruste; Autosomal recessive inherited pseudoxanthoma elasticum; Arterial calcification, generalized, of infancy, 2. Last evaluated: 2021-08-13. Review status: criteria provided, single submitter. Criteria: ACMG Guidelines, 2015. Collection method: clinical testing. Allele origin: unknown.

GeneDx
Classification: Likely benign. Last evaluated: 2019-10-23. Review status: criteria provided, single submitter. Criteria: GeneDx Variant Classification Process June 2021. Collection method: clinical testing. Allele origin: germline. Affected: yes.

Clinical Genetics DNA and cytogenetics Diagnostics Lab, Erasmus MC, Erasmus Medical Center
Classification: Likely benign. Review status: no assertion criteria provided. Collection method: clinical testing. Allele origin: germline. Affected: yes. Study: VKGL Data-share Consensus. Not counted in ClinVar's aggregate classification.

Clinical Genetics, Academic Medical Center
Classification: Benign. Review status: no assertion criteria provided. Collection method: clinical testing. Allele origin: germline. Affected: yes. Study: VKGL Data-share Consensus. Not counted in ClinVar's aggregate classification.